The following is an entry in ClinVar:

ClinVar aggregate classification (germline): Likely benign. Review status: criteria provided, multiple submitters, no conflicts (2 of 4 stars). 2 submissions from 2 submitters: Likely benign (2). Last evaluated 2025-12-19.

Conditions:
CCDC88C-related disorder. Also called: CCDC88C-Related Disorders; CCDC88C-related condition.

Allele frequency attached by ClinVar (database versions not stated): gnomAD 0.00007 and 0.00018; TOPMed 0.00013; 1000 Genomes Project 30x 0.00016; 1000 Genomes Project 0.00020; ESP Exome Variant Server 0.00026; gnomAD exomes 0.00046; ExAC 0.00051.
gnomAD v4.1: 361 of 1,611,620 alleles (0.022%); highest among the groups gnomAD compares: South Asian, 0.28%; 5 homozygotes.

Submissions (2):

Labcorp Genetics (formerly Invitae), Labcorp
Classification: Likely benign. Last evaluated: 2025-12-19. Review status: criteria provided, single submitter. Criteria: Invitae Variant Classification Sherloc (09022015). Collection method: clinical testing. Allele origin: germline.

PreventionGenetics, part of Exact Sciences
Classification: Likely benign for CCDC88C-related condition. Last evaluated: 2025-09-03. Review status: criteria provided, single submitter. Criteria: ACMG Guidelines, 2015. Collection method: clinical testing. Allele origin: germline.
Comment: This variant is classified as likely benign based on ACMG/AMP sequence variant interpretation guidelines (Richards et al. 2015 PMID: 25741868, with internal and published modifications).

NM_001080414.4(CCDC88C):c.6043G>A (p.Gly2015Ser)

Gene: CCDC88C (coiled-coil and HOOK domain protein 88C; minus strand). Cytogenetic location: 14q32.11.
Variant type: single nucleotide variant.
Coding change: c.6043G>A on transcript NM_001080414.4 (MANE Select); coding-DNA position 6043, G replaced by A.
Protein change: p.Gly2015Ser; replaces glycine 2015 with serine.
Molecular consequence: missense variant.
Genome position (GRCh38, 1-based): chr14:91,272,669, C>T on the plus strand (G>A on the coding strand, the complement: CCDC88C is on the minus strand). VCF-style: chr14-91272669-C-T. GRCh37 (hg19) VCF-style: chr14-91739013-C-T.
Other names: short protein forms G2015S.
Identifiers: ClinVar variation 790859 (VCV000790859.7), dbSNP rs367905673, ClinGen allele CA7308519.